The following is an entry in ClinVar:

ClinVar aggregate classification (germline): Uncertain significance (0 of 4 stars; one submission).

Conditions:
FLNB-related disorder. Also called: FLNB-related disorders; FLNB-related condition. Identifiers: MedGen CN381095.

Submission:

PreventionGenetics, part of Exact Sciences
Classification: Uncertain significance for FLNB-related condition. Last evaluated: 2024-03-29. Review status: no assertion criteria provided. Collection method: clinical testing. Allele origin: germline.
Comment: The FLNB c.1099G>T variant is predicted to result in the amino acid substitution p.Val367Leu. To our knowledge, this variant has not been reported in the literature or in a large population database, indicating this variant is rare. At this time, the clinical significance of this variant is uncertain due to the absence of conclusive functional and genetic evidence.

NM_001457.4(FLNB):c.1099G>T (p.Val367Leu)

Gene: FLNB (filamin B; plus strand). Cytogenetic location: 3p14.3.
Variant type: single nucleotide variant.
Coding change: c.1099G>T on transcript NM_001457.4 (MANE Select); coding-DNA position 1099, G replaced by T.
Protein change: p.Val367Leu; replaces valine 367 with leucine.
Molecular consequence: missense variant.
Genome position (GRCh38, 1-based): chr3:58,097,929, G>T. VCF-style: chr3-58097929-G-T. GRCh37 (hg19) VCF-style: chr3-58083656-G-T.
Other names: c.1099G>T, p.Val367Leu (NM_001164317.2, NM_001164318.2, NM_001164319.2); short protein forms V367L.
Identifiers: ClinVar variation 3350119 (VCV003350119.1).
Genomic context (GRCh38, chr3:58,097,929, plus strand): 5'-GTTGACAAGGCCCAGGGAGATGCCAGTAAAGTCACTGCAAAAGGTCCAGGGTTGGAAGCT[G>T]TAGGGAACATCGCCAATAAGCCCACCTACTTTGACATCTATACGGCAGGTAACGTGCCTC-3'
Protein context (NP_001448.2, residues 357-377): VTAKGPGLEA[Val367Leu]GNIANKPTYF